The following is an entry in ClinVar:

NM_177438.3(DICER1):c.2592A>G (p.Ala864=)

Gene: DICER1 (dicer 1, ribonuclease III; minus strand). Cytogenetic location: 14q32.13.
Variant type: single nucleotide variant.
Coding change: c.2592A>G on transcript NM_177438.3 (MANE Select); coding-DNA position 2592, A replaced by G.
Protein change: p.Ala864=; no amino-acid change (alanine 864 retained).
Molecular consequence: synonymous variant.
Genome position (GRCh38, 1-based): chr14:95,107,938, T>C on the plus strand (A>G on the coding strand, the complement: DICER1 is on the minus strand). VCF-style: chr14-95107938-T-C. GRCh37 (hg19) VCF-style: chr14-95574275-T-C.
Other names: c.2592A>G, p.Ala864= (NM_001195573.1, NM_001271282.3, NM_001291628.2 and 1 more transcripts).
Identifiers: ClinVar variation 821536 (VCV000821536.15), dbSNP rs759550674, ClinGen allele CA487844805.
Genomic context (GRCh38, chr14:95,107,938, plus strand): 5'-ACCAACATTAAGAGGTAGAACACAGTATGCTGAATCAGCGTCTGTAGGTTTAAATTCTAG[T>C]GCAGGTTTTTCAAGCCGAAGAATATGTGAGAATATATACTGGTGAAGTCTTGTAATCAAC-3'
Protein context (NP_803187.1, residues 854-874): FSHILRLEKP[Ala864=]LEFKPTDADS

ClinVar aggregate classification (germline): Benign/Likely benign. Review status: criteria provided, multiple submitters, no conflicts (2 of 4 stars). 3 submissions from 3 submitters: Benign (1); Likely benign (2). Last evaluated 2026-04-16.

Conditions:
Hereditary cancer-predisposing syndrome. Also called: Tumor predisposition; Hereditary Cancer Syndrome; Hereditary neoplastic syndrome; Neoplastic Syndromes, Hereditary. Identifiers: Orphanet 140162, MedGen C0027672, MeSH D009386, MONDO:0015356.
DICER1-related tumor predisposition. Also called: DICER1 syndrome; DICER1-related pleuropulmonary blastoma cancer predisposition syndrome. Identifiers: Orphanet 284343, MedGen C3839822, MONDO:0100216.

Allele frequency attached by ClinVar (database versions not stated): gnomAD 0.00001.
gnomAD v4.1: 5 of 1,613,958 alleles (0.00031%); highest among the groups gnomAD compares: Admixed American, 0.0017%; no homozygotes.

Submissions (3):

Myriad Genetics, Inc.
Classification: Benign for DICER1-related tumor predisposition. Last evaluated: 2026-04-16. Review status: criteria provided, single submitter. Criteria: Myriad Autosomal Dominant, Autosomal Recessive and X-Linked Classification Criteria (2023). Collection method: clinical testing. Allele origin: unknown.
Comment: This variant is considered benign. This variant is a silent/synonymous amino acid change and it is not expected to impact splicing.

Labcorp Genetics (formerly Invitae), Labcorp
Classification: Likely benign for DICER1-related tumor predisposition. Last evaluated: 2025-12-13. Review status: criteria provided, single submitter. Criteria: Invitae Variant Classification Sherloc (09022015). Collection method: clinical testing. Allele origin: germline.

Ambry Genetics
Classification: Likely benign for Hereditary cancer-predisposing syndrome. Last evaluated: 2018-12-19. Review status: criteria provided, single submitter. Criteria: Ambry Variant Classification Scheme 2023. Collection method: clinical testing. Allele origin: germline.